The following is an entry in ClinVar:

ClinVar aggregate classification (germline): Uncertain significance (1 of 4 stars; one submission).

gnomAD v4.1: 40 of 1,613,816 alleles (0.0025%); highest among the groups gnomAD compares: Non-Finnish European, 0.0031%; no homozygotes.

Submission:

GeneDx
Classification: Uncertain significance. Last evaluated: 2024-05-16. Review status: criteria provided, single submitter. Criteria: GeneDx Variant Classification Process June 2021. Collection method: clinical testing. Allele origin: germline. Affected: yes.
Comment: In silico analysis supports that this missense variant has a deleterious effect on protein structure/function; Has not been previously published as pathogenic or benign to our knowledge

NM_015340.4(LARS2):c.2140C>T (p.Pro714Ser)

Gene: LARS2 (leucyl-tRNA synthetase 2, mitochondrial; plus strand). Cytogenetic location: 3p21.31.
Variant type: single nucleotide variant.
Coding change: c.2140C>T on transcript NM_015340.4 (MANE Select); coding-DNA position 2140, C replaced by T.
Protein change: p.Pro714Ser; replaces proline 714 with serine.
Molecular consequence: missense variant.
Genome position (GRCh38, 1-based): chr3:45,517,998, C>T. VCF-style: chr3-45517998-C-T. GRCh37 (hg19) VCF-style: chr3-45559490-C-T.
Other names: c.2140C>T, p.Pro714Ser (NM_001368263.1); short protein forms P714S.
Identifiers: ClinVar variation 3377856 (VCV003377856.1).